The following is an entry in ClinVar:

NM_001122764.3(PPOX):c.1361T>A (p.Val454Asp)

Gene: PPOX (protoporphyrinogen oxidase; plus strand). Cytogenetic location: 1q23.3.
Variant type: single nucleotide variant.
Coding change: c.1361T>A on transcript NM_001122764.3 (MANE Select); coding-DNA position 1361, T replaced by A.
Protein change: p.Val454Asp; replaces valine 454 with aspartic acid.
Molecular consequence: missense variant.
Genome position (GRCh38, 1-based): chr1:161,171,103, T>A. VCF-style: chr1-161171103-T-A. GRCh37 (hg19) VCF-style: chr1-161140893-T-A.
Other names: p.Val454Asp; c.1361T>A, p.Val454Asp (NM_000309.5, NM_001365398.1); c.1262T>A, p.Val421Asp (NM_001350128.2); c.953T>A, p.Val318Asp (NM_001350129.2, NM_001365400.1); c.875T>A, p.Val292Asp (NM_001350130.2, NM_001350131.2, NM_001365401.1); c.1250T>A, p.Val417Asp (NM_001365399.1); short protein forms V292D, V318D, V417D, V421D, V454D.
Identifiers: ClinVar variation 3380134 (VCV003380134.1).

ClinVar aggregate classification (germline): Uncertain significance (1 of 4 stars; one submission).

Submission:

Mayo Clinic Laboratories, Mayo Clinic
Classification: Uncertain significance. Last evaluated: 2024-08-05. Review status: criteria provided, single submitter. Criteria: ACMG Guidelines, 2015. Collection method: clinical testing. Allele origin: germline. Observed: 1 variant allele.
Comment: PP3_strong, PP4, PM2